The following is an entry in ClinVar:

NM_013247.5(HTRA2):c.157G>A (p.Gly53Arg)

Gene: HTRA2 (HtrA serine peptidase 2; plus strand). Cytogenetic location: 2p13.1.
Variant type: single nucleotide variant.
Coding change: c.157G>A on transcript NM_013247.5 (MANE Select); coding-DNA position 157, G replaced by A.
Protein change: p.Gly53Arg; replaces glycine 53 with arginine.
Molecular consequence: missense variant. On other transcripts: non-coding transcript variant (1).
Genome position (GRCh38, 1-based): chr2:74,530,163, G>A. VCF-style: chr2-74530163-G-A. GRCh37 (hg19) VCF-style: chr2-74757290-G-A.
Other names: c.157G>A, p.Gly53Arg (NM_001321727.1, NM_001321728.1, NM_145074.2); short protein forms G53R.
Identifiers: ClinVar variation 1382981 (VCV001382981.6), dbSNP rs1438206759, ClinGen allele CA347375970.

ClinVar aggregate classification (germline): Uncertain significance (1 of 4 stars; one submission).

Allele frequency attached by ClinVar (database versions not stated): gnomAD exomes below 0.00001; TOPMed below 0.00001; gnomAD 0.00001.

Submission:

Labcorp Genetics (formerly Invitae), Labcorp
Classification: Uncertain significance. Last evaluated: 2023-03-10. Review status: criteria provided, single submitter. Criteria: Invitae Variant Classification Sherloc (09022015). Collection method: clinical testing. Allele origin: germline.
Comment: This sequence change replaces glycine, which is neutral and non-polar, with arginine, which is basic and polar, at codon 53 of the HTRA2 protein (p.Gly53Arg). In summary, the available evidence is currently insufficient to determine the role of this variant in disease. Therefore, it has been classified as a Variant of Uncertain Significance. An algorithm developed to predict the effect of missense changes on protein structure and function (PolyPhen-2) suggests that this variant is likely to be disruptive. ClinVar contains an entry for this variant (Variation ID: 1382981). This variant has not been reported in the literature in individuals affected with HTRA2-related conditions. This variant is present in population databases (no rsID available, gnomAD 0.007%).